The following is an entry in ClinVar:

ClinVar aggregate classification (germline): Uncertain significance (1 of 4 stars; one submission).

Submission:

Labcorp Genetics (formerly Invitae), Labcorp
Classification: Uncertain significance. Last evaluated: 2025-08-18. Review status: criteria provided, single submitter. Criteria: Invitae Variant Classification Sherloc (09022015). Collection method: clinical testing. Allele origin: germline.
Comment: This sequence change replaces threonine, which is neutral and polar, with asparagine, which is neutral and polar, at codon 1484 of the FLNB protein (p.Thr1484Asn). This variant is not present in population databases (gnomAD no frequency). This variant has not been reported in the literature in individuals affected with FLNB-related conditions. ClinVar contains an entry for this variant (Variation ID: 2763987). Invitae Evidence Modeling of protein sequence and biophysical properties (such as structural, functional, and spatial information, amino acid conservation, physicochemical variation, residue mobility, and thermodynamic stability) indicates that this missense variant is not expected to disrupt FLNB protein function with a negative predictive value of 95%. In summary, the available evidence is currently insufficient to determine the role of this variant in disease. Therefore, it has been classified as a Variant of Uncertain Significance.

NM_001457.4(FLNB):c.4451C>A (p.Thr1484Asn)

Gene: FLNB (filamin B; plus strand). Cytogenetic location: 3p14.3.
Variant type: single nucleotide variant.
Coding change: c.4451C>A on transcript NM_001457.4 (MANE Select); coding-DNA position 4451, C replaced by A.
Protein change: p.Thr1484Asn; replaces threonine 1484 with asparagine.
Molecular consequence: missense variant.
Genome position (GRCh38, 1-based): chr3:58,132,868, C>A. VCF-style: chr3-58132868-C-A. GRCh37 (hg19) VCF-style: chr3-58118595-C-A.
Other names: c.4544C>A, p.Thr1515Asn (NM_001164317.2); c.4451C>A, p.Thr1484Asn (NM_001164318.2, NM_001164319.2); short protein forms T1484N, T1515N.
Identifiers: ClinVar variation 2763987 (VCV002763987.3), dbSNP rs2097309770, ClinGen allele CA353351418.
Genomic context (GRCh38, chr3:58,132,868, plus strand): 5'-GCTTGGTGGAGCCAGTGAACGTGGTGGACAATGGAGATGGCACACACACAGTAACCTACA[C>A]CCCATCTCAGGAGGGACCTTACATGGTCTCAGTTAAATATGCTGATGAAGAGATTCCTCG-3'
Protein context (NP_001448.2, residues 1474-1494): NGDGTHTVTY[Thr1484Asn]PSQEGPYMVS